The following is an entry in ClinVar:

NM_016222.4(DDX41):c.764G>A (p.Arg255His)

Gene: DDX41 (DEAD-box helicase 41; minus strand). Cytogenetic location: 5q35.3.
Variant type: single nucleotide variant.
Coding change: c.764G>A on transcript NM_016222.4 (MANE Select); coding-DNA position 764, G replaced by A.
Protein change: p.Arg255His; replaces arginine 255 with histidine.
Molecular consequence: missense variant.
Genome position (GRCh38, 1-based): chr5:177,514,950, C>T on the plus strand (G>A on the coding strand, the complement: DDX41 is on the minus strand). VCF-style: chr5-177514950-C-T. GRCh37 (hg19) VCF-style: chr5-176941951-C-T.
Other names: c.386G>A, p.Arg129His (NM_001321732.2, NM_001321830.2); short protein forms R129H, R255H.
Identifiers: ClinVar variation 2505028 (VCV002505028.8), dbSNP rs775735135, ClinGen allele CA3585032.
Genomic context (GRCh38, chr5:177,514,950, plus strand): 5'-CTGCCCTCCAGGCCAGCCTATCTTACCGAGGGGCAGATGATGAGTCCATAGGGCCCCTCG[C>T]GCTTTGAGAAGGGTAACCTCTTCTCTTGTTCCAGGCAGAACATGATGACGGGCAACGTGA-3'
Protein context (NP_057306.2, residues 245-265): EQEKRLPFSK[Arg255His]EGPYGLIICP

ClinVar aggregate classification (germline): Uncertain significance. Review status: criteria provided, multiple submitters, no conflicts (2 of 4 stars). 5 submissions from 5 submitters: Uncertain significance (5). Last evaluated 2025-01-10.

Conditions:
Inborn genetic diseases. Identifiers: MedGen C0950123, MeSH D030342.
DDX41-related hematologic malignancy predisposition syndrome. Also called: DDX41-Associated Familial Myelodysplastic Syndrome and Acute Myeloid Leukemia; Myeloproliferative/lymphoproliferative neoplasms, familial (multiple types), susceptibility to. Identifiers: Orphanet 488647, MedGen C4225174, MONDO:0014809, OMIM 616871.

Allele frequency attached by ClinVar (database versions not stated): ExAC 0.00001; TOPMed 0.00001; gnomAD 0.00002.
gnomAD v4.1: 12 of 1,612,320 alleles (0.00074%); highest among the groups gnomAD compares: African/African-American, 0.0053%; no homozygotes.

Submissions (5):

Ambry Genetics
Classification: Uncertain significance for Inborn genetic diseases. Last evaluated: 2025-01-10. Review status: criteria provided, single submitter. Criteria: Ambry Variant Classification Scheme 2023. Collection method: clinical testing. Allele origin: germline.
Comment: The p.R255H variant (also known as c.764G>A), located in coding exon 8 of the DDX41 gene, results from a G to A substitution at nucleotide position 764. The arginine at codon 255 is replaced by histidine, an amino acid with highly similar properties. This amino acid position is highly conserved in available vertebrate species. In addition, this alteration is predicted to be tolerated by in silico analysis. Based on the available evidence, the clinical significance of this variant remains unclear.

GeneDx
Classification: Uncertain significance. Last evaluated: 2024-07-31. Review status: criteria provided, single submitter. Criteria: GeneDx Variant Classification Process June 2021. Collection method: clinical testing. Allele origin: germline.
Comment: Not observed at significant frequency in large population cohorts (gnomAD); In silico analysis indicates that this missense variant does not alter protein structure/function; Has not been previously published as pathogenic or benign to our knowledge; This variant is associated with the following publications: (PMID: Kobayashi2016[Abstract], 27721487)

Baylor Genetics
Classification: Uncertain significance for DDX41-related hematologic malignancy predisposition syndrome. Last evaluated: 2024-03-19. Review status: criteria provided, single submitter. Criteria: ACMG Guidelines, 2015. Collection method: clinical testing. Allele origin: unknown.

Fulgent Genetics
Classification: Uncertain significance for DDX41-related hematologic malignancy predisposition syndrome. Last evaluated: 2023-12-29. Review status: criteria provided, single submitter. Criteria: ACMG Guidelines, 2015. Collection method: clinical testing. Allele origin: germline.

Labcorp Genetics (formerly Invitae), Labcorp
Classification: Uncertain significance. Last evaluated: 2023-03-19. Review status: criteria provided, single submitter. Criteria: Invitae Variant Classification Sherloc (09022015). Collection method: clinical testing. Allele origin: germline.
Comment: This sequence change replaces arginine, which is basic and polar, with histidine, which is basic and polar, at codon 255 of the DDX41 protein (p.Arg255His). This variant is present in population databases (rs775735135, gnomAD 0.006%). This variant has not been reported in the literature in individuals affected with DDX41-related conditions. An algorithm developed to predict the effect of missense changes on protein structure and function (PolyPhen-2) suggests that this variant is likely to be tolerated. In summary, the available evidence is currently insufficient to determine the role of this variant in disease. Therefore, it has been classified as a Variant of Uncertain Significance.